The following is an entry in ClinVar:

ClinVar aggregate classification (germline): Uncertain significance (1 of 4 stars; one submission).

Allele frequency attached by ClinVar (database versions not stated): TOPMed below 0.00001; gnomAD 0.00001.
gnomAD v4.1: 4 of 1,614,078 alleles (0.00025%); highest among the groups gnomAD compares: Admixed American, 0.0017%; no homozygotes.

Submission:

Labcorp Genetics (formerly Invitae), Labcorp
Classification: Uncertain significance. Last evaluated: 2022-03-27. Review status: criteria provided, single submitter. Criteria: Invitae Variant Classification Sherloc (09022015). Collection method: clinical testing. Allele origin: germline.
Comment: In summary, the available evidence is currently insufficient to determine the role of this variant in disease. Therefore, it has been classified as a Variant of Uncertain Significance. Algorithms developed to predict the effect of missense changes on protein structure and function are either unavailable or do not agree on the potential impact of this missense change (SIFT: "Deleterious"; PolyPhen-2: "Possibly Damaging"; Align-GVGD: "Class C0"). This variant has not been reported in the literature in individuals affected with CLP1-related conditions. This variant is present in population databases (no rsID available, gnomAD 0.003%). This sequence change replaces valine, which is neutral and non-polar, with alanine, which is neutral and non-polar, at codon 329 of the CLP1 protein (p.Val329Ala).

NM_006831.3(CLP1):c.986T>C (p.Val329Ala)

Gene: CLP1 (cleavage factor polyribonucleotide kinase subunit 1; plus strand). Cytogenetic location: 11q12.1.
Variant type: single nucleotide variant.
Coding change: c.986T>C on transcript NM_006831.3 (MANE Select); coding-DNA position 986, T replaced by C.
Protein change: p.Val329Ala; replaces valine 329 with alanine.
Molecular consequence: missense variant.
Genome position (GRCh38, 1-based): chr11:57,661,144, T>C. VCF-style: chr11-57661144-T-C. GRCh37 (hg19) VCF-style: chr11-57428616-T-C.
Other names: c.794T>C, p.Val265Ala (NM_001142597.2); short protein forms V265A, V329A.
Identifiers: ClinVar variation 2056841 (VCV002056841.4), dbSNP rs1282787443, ClinGen allele CA380699888.